The following is an entry in ClinVar:

NM_000138.5(FBN1):c.4532G>A (p.Cys1511Tyr)

Gene: FBN1 (fibrillin 1; minus strand). Cytogenetic location: 15q21.1.
Variant type: single nucleotide variant.
Coding change: c.4532G>A on transcript NM_000138.5 (MANE Select); coding-DNA position 4532, G replaced by A.
Protein change: p.Cys1511Tyr; replaces cysteine 1511 with tyrosine.
Molecular consequence: missense variant.
Genome position (GRCh38, 1-based): chr15:48,468,462, C>T on the plus strand (G>A on the coding strand, the complement: FBN1 is on the minus strand). VCF-style: chr15-48468462-C-T. GRCh37 (hg19) VCF-style: chr15-48760659-C-T.
Other names: short protein forms C1511Y.
Identifiers: ClinVar variation 406346 (VCV000406346.13), dbSNP rs1060501074, ClinGen allele CA16614510.

ClinVar aggregate classification (germline): Pathogenic/Likely pathogenic. Review status: criteria provided, multiple submitters, no conflicts (2 of 4 stars). 4 submissions from 4 submitters: Pathogenic (1); Likely pathogenic (3). Last evaluated 2025-09-18.

Conditions:
Marfan syndrome (MFS). Also called: Marfan syndrome, classic; Marfan syndrome type 1; Marfan's syndrome; MARFAN SYNDROME, TYPE I; FBN1-Related Marfan Syndrome. Identifiers: Orphanet 284963, Orphanet 558, MedGen C0024796, MONDO:0007947, OMIM 154700.
Familial thoracic aortic aneurysm and aortic dissection (TAAD). Also called: Thoracic aortic aneurysms and dissections. Identifiers: Orphanet 91387, MedGen C4707243, MONDO:0019625.
FBN1-related disorder. Also called: FBN1-related disorders.

Submissions (4):

Labcorp Genetics (formerly Invitae), Labcorp
Classification: Pathogenic for Marfan syndrome; Familial thoracic aortic aneurysm and aortic dissection. Last evaluated: 2025-09-18. Review status: criteria provided, single submitter. Criteria: Invitae Variant Classification Sherloc (09022015). Collection method: clinical testing. Allele origin: germline.
Comment: This sequence change replaces cysteine, which is neutral and slightly polar, with tyrosine, which is neutral and polar, at codon 1511 of the FBN1 protein (p.Cys1511Tyr). This variant is not present in population databases (gnomAD no frequency). This missense change has been observed in individual(s) with Marfan syndrome (internal data). ClinVar contains an entry for this variant (Variation ID: 406346). Invitae Evidence Modeling of protein sequence and biophysical properties (such as structural, functional, and spatial information, amino acid conservation, physicochemical variation, residue mobility, and thermodynamic stability) indicates that this missense variant is expected to disrupt FBN1 protein function with a positive predictive value of 95%. This variant affects a cysteine residue in the EGF-like, TGFBP or hybrid motif domains of FBN1. Cysteine residues are believed to be involved in intramolecular disulfide bridges and have been shown to be important for FBN1 protein structure (PMID: 16905551, 19349279). In addition, missense substitutions affecting cysteine residues within these domains are significantly overrepresented among patients with Marfan syndrome (PMID: 16571647, 17701892). This variant disrupts the p.Cys1511 amino acid residue in FBN1. Other variant(s) that disrupt this residue have been observed in individuals with FBN1-related conditions (PMID: 27611364; internal data), which suggests that this may be a clinically significant amino acid residue. For these reasons, this variant has been classified as Pathogenic.

Ambry Genetics
Classification: Likely pathogenic for Familial thoracic aortic aneurysm and aortic dissection. Last evaluated: 2025-05-23. Review status: criteria provided, single submitter. Criteria: Ambry Variant Classification Scheme 2023. Collection method: clinical testing. Allele origin: germline.
Comment: The p.C1511Y variant (also known as c.4532G>A), located in coding exon 36 of the FBN1 gene, results from a G to A substitution at nucleotide position 4532. The cysteine at codon 1511 is replaced by tyrosine, an amino acid with highly dissimilar properties. This variant was reported in individual(s) with features consistent with Marfan syndrome (Duan DM et al. J Formos Med Assoc, 2022 Jun;121:1093-1101; Jim&eacute;nez-Berr&iacute;os GA et al. Cureus, 2024 Sep;16:e68791; Ambry internal data). The majority of FBN1 mutations identified to date have involved the substitution or generation of cysteine residues within cbEGF domains (Vollbrandt T et al. J Biol Chem. 2004;279(31):32924-32931). Internal structural analysis indicates this alteration eliminates a disulfide bond critical for the structural integrity of the cbEGF22 domain (Ambry internal data). This amino acid position is highly conserved in available vertebrate species. In addition, this alteration is predicted to be deleterious by in silico analysis. This variant is considered to be rare based on population cohorts in the Genome Aggregation Database (gnomAD). Based on the majority of available evidence to date, this variant is likely to be pathogenic.

Blueprint Genetics
Classification: Likely pathogenic for FBN1-related disorders. Last evaluated: 2024-11-12. Review status: criteria provided, single submitter. Criteria: ACMG Guidelines, 2015. Collection method: clinical testing. Allele origin: germline. Affected: yes. Observed: 1 variant allele.

GeneDx
Classification: Likely pathogenic. Last evaluated: 2014-12-31. Review status: criteria provided, single submitter. Criteria: GeneDx Variant Classification (06012015). Collection method: clinical testing. Allele origin: germline. Affected: yes.
Comment: A C1511Y variant that is likely pathogenic was identified in the FBN1 gene. It has not been published as a pathogenic variant, nor has it been reported as a benign polymorphism to our knowledge. The C1511Y variant was not observed in approximately 6,500 individuals of European and African American ancestry in the an external variant database, indicating it is not a common benign variant in these populations. The C1511Y variant is a non-conservative amino acid substitution, which is likely to impact secondary protein structure as these residues differ in polarity, charge, size and/or other properties. This substitution occurs at a position that is conserved across species. In silico analysis predicts this variant is probably damaging to the protein structure/function. Furthermore, missense variants in nearby residues (C1502Y, C1513R, C1513W) have been reported in the Human Gene Mutation Database in association with Marfan syndrome (Stenson et al., 2014), supporting the functional importance of this region of the protein. Therefore, this is a strong candidate for a pathogenic variant, however the possibility that it is a benign variant cannot be excluded.

Literature cited by the submitters: PubMed 16905551 (cited by Labcorp Genetics (formerly Invitae), Labcorp); PubMed 19349279 (cited by Labcorp Genetics (formerly Invitae), Labcorp); PubMed 16571647 (cited by Labcorp Genetics (formerly Invitae), Labcorp); PubMed 17701892 (cited by Labcorp Genetics (formerly Invitae), Labcorp); PubMed 27611364 (cited by Labcorp Genetics (formerly Invitae), Labcorp); PubMed 34456093 (cited by Ambry Genetics); PubMed 39376868 (cited by Ambry Genetics).